The following is an entry in ClinVar:

ClinVar aggregate classification (germline): Likely pathogenic. Review status: criteria provided, single submitter (1 of 4 stars). 2 submissions from 1 submitter: Likely pathogenic (2). Last evaluated 2024-03-22.

Conditions:
Dilated cardiomyopathy 1G (CMD1G). Identifiers: Orphanet 154, MedGen C1858763, MONDO:0011400, OMIM 604145.
Autosomal recessive limb-girdle muscular dystrophy type 2J (LGMDR10). Also called: Limb-girdle muscular dystrophy, type 2J; MUSCULAR DYSTROPHY, LIMB-GIRDLE, AUTOSOMAL RECESSIVE 10. Identifiers: Orphanet 140922, MedGen C1837342, MONDO:0012127, OMIM 608807.

Submissions (2):

Labcorp Genetics (formerly Invitae), Labcorp
Classification: Likely pathogenic for Dilated cardiomyopathy 1G; Autosomal recessive limb-girdle muscular dystrophy type 2J. Last evaluated: 2024-03-22. Review status: criteria provided, single submitter. Criteria: Invitae Variant Classification Sherloc (09022015). Collection method: clinical testing. Allele origin: germline.
Comment: This sequence change creates a premature translational stop signal (p.Asn23406*) in the TTN gene. While this is not anticipated to result in nonsense mediated decay, it is expected to create a truncated TTN protein. This variant is not present in population databases (gnomAD no frequency). This variant has not been reported in the literature in individuals affected with TTN-related conditions. ClinVar contains an entry for this variant (Variation ID: 404858). This variant is located in the A band of TTN (PMID: 25589632). Truncating variants in this region are significantly overrepresented in patients affected with dilated cardiomyopathy (PMID: 25589632). Truncating variants in this region have also been reported in individuals affected with autosomal recessive centronuclear myopathy (PMID: 23975875). In summary, the currently available evidence indicates that the variant is pathogenic, but additional data are needed to prove that conclusively. Therefore, this variant has been classified as Likely Pathogenic.

Labcorp Genetics (formerly Invitae), Labcorp
Classification: Likely pathogenic for Dilated cardiomyopathy 1G. Last evaluated: 2016-06-25. Review status: criteria provided, single submitter. Criteria: Invitae Variant Classification Sherloc (09022015). Collection method: clinical testing. Allele origin: germline.
Comment: This sequence change inserts 1 nucleotide in exon 326 of the TTN mRNA (c.70215dupT), causing a frameshift at codon 23406. This creates a premature translational stop signal (p.Asn23406*) and is expected to result in an absent or disrupted protein product. This variant is found in the A-band of this gene. While this particular variant has not been reported in the literature, truncating variants in the A-band of TTN are significantly overrepresented in patients with dilated cardiomyopathy and are considered to be likely pathogenic for the disease (PMID: 25589632). For these reasons, this variant has been classified as Likely Pathogenic.

Literature cited by the submitters: PubMed 25589632; PubMed 23975875.

NM_001267550.2(TTN):c.70215dup (p.Asn23406Ter)

Genes: TTN (titin; minus strand), TTN-AS1 (TTN antisense RNA 1; plus strand), LOC126806422 (BRD4-independent group 4 enhancer GRCh37_chr2:179440205-179441404; plus strand). Cytogenetic location: 2q31.2.
Variant type: Duplication.
Coding change: c.70215dup on transcript NM_001267550.2 (MANE Select); coding-DNA position 70215, one base duplicated (T; older notation c.70215dupT).
Protein change: p.Asn23406Ter; replaces asparagine 23406 with a stop codon.
Molecular consequence: nonsense.
Genome position (GRCh38, 1-based): chr2:178,575,917, A duplicated on the plus strand (T on the coding strand, the reverse complement: TTN is on the minus strand). VCF-style (leftmost placement, unchanged base first): chr2-178575916-T-TA. GRCh37 (hg19) VCF-style: chr2-179440643-T-TA.
Other names: c.70215dupT (NM_001267550.2); c.65292dup, p.Asn21765Ter (NM_001256850.1); c.43020dup, p.Asn14341Ter (NM_003319.4); c.62511dup, p.Asn20838Ter (NM_133378.4); c.43395dup, p.Asn14466Ter (NM_133432.3); c.43596dup, p.Asn14533Ter (NM_133437.4); short protein forms N21765*, N23406*, N14341*, N14466*, N14533*, N20838*.
Identifiers: ClinVar variation 404858 (VCV000404858.8), dbSNP rs1553614378, ClinGen allele CA16610329.